The following is an entry in ClinVar:

NM_020549.5(CHAT):c.1946T>G (p.Met649Arg)

Gene: CHAT (choline O-acetyltransferase; plus strand). Cytogenetic location: 10q11.23.
Variant type: single nucleotide variant.
Coding change: c.1946T>G on transcript NM_020549.5 (MANE Select); coding-DNA position 1946, T replaced by G.
Protein change: p.Met649Arg; replaces methionine 649 with arginine.
Molecular consequence: missense variant.
Genome position (GRCh38, 1-based): chr10:49,662,751, T>G. VCF-style: chr10-49662751-T-G. GRCh37 (hg19) VCF-style: chr10-50870797-T-G.
Other names: c.1592T>G, p.Met531Arg (NM_020984.4, NM_001142929.2, NM_001142934.2 and 2 more transcripts); c.1700T>G, p.Met567Arg (NM_001142933.2); short protein forms M567R, M531R, M649R.
Identifiers: ClinVar variation 1931279 (VCV001931279.3), dbSNP rs1174113759, ClinGen allele CA376711711.

ClinVar aggregate classification (germline): Uncertain significance (1 of 4 stars; one submission).

Conditions:
Familial infantile myasthenia (CMS6). Also called: MYASTHENIC SYNDROME, CONGENITAL, 6, PRESYNAPTIC; Congenital myasthenic syndrome type 6; MYASTHENIC SYNDROME, PRESYNAPTIC, CONGENITAL, ASSOCIATED WITH EPISODIC APNEA. Identifiers: Orphanet 590, MedGen C0393929, MONDO:0009689, OMIM 254210.

Allele frequency attached by ClinVar (database versions not stated): TOPMed 0.00001.

Submission:

Labcorp Genetics (formerly Invitae), Labcorp
Classification: Uncertain significance for Familial infantile myasthenia. Last evaluated: 2022-04-18. Review status: criteria provided, single submitter. Criteria: Invitae Variant Classification Sherloc (09022015). Collection method: clinical testing. Allele origin: germline.
Comment: In summary, the available evidence is currently insufficient to determine the role of this variant in disease. Therefore, it has been classified as a Variant of Uncertain Significance. Advanced modeling of protein sequence and biophysical properties (such as structural, functional, and spatial information, amino acid conservation, physicochemical variation, residue mobility, and thermodynamic stability) performed at Invitae indicates that this missense variant is not expected to disrupt CHAT protein function. This variant has not been reported in the literature in individuals affected with CHAT-related conditions. This variant is not present in population databases (gnomAD no frequency). This sequence change replaces methionine, which is neutral and non-polar, with arginine, which is basic and polar, at codon 649 of the CHAT protein (p.Met649Arg).